The following is an entry in ClinVar:

NM_001127222.2(CACNA1A):c.6778C>T (p.Gln2260Ter)

Genes: CACNA1A (calcium voltage-gated channel subunit alpha1 A; minus strand), LOC130063717 (ATAC-STARR-seq lymphoblastoid silent region 10203; plus strand). Cytogenetic location: 19p13.13.
Variant type: single nucleotide variant.
Coding change: c.6778C>T on transcript NM_001127222.2 (MANE Select); coding-DNA position 6778, C replaced by T.
Protein change: p.Gln2260Ter; replaces glutamine 2260 with a stop codon.
Molecular consequence: nonsense.
Genome position (GRCh38, 1-based): chr19:13,208,758, G>A on the plus strand (C>T on the coding strand, the complement: CACNA1A is on the minus strand). VCF-style: chr19-13208758-G-A. GRCh37 (hg19) VCF-style: chr19-13319572-G-A.
Other names: c.6796C>T, p.Gln2266Ter (NM_000068.4, NM_023035.3); c.6781C>T, p.Gln2261Ter (NM_001127221.2); c.6787C>T, p.Gln2263Ter (NM_001174080.2); short protein forms Q2260*, Q2261*, Q2263*, Q2266*.
Identifiers: ClinVar variation 3027248 (VCV003027248.24), dbSNP rs2054678049, ClinGen allele CA404329330.
Genomic context (GRCh38, chr19:13,208,758, plus strand): 5'-TCTCTCCTCCCCGCCTCCCGGCCGAGCCCAGCCTGGGGTCACTTGCAGCCGCACCCACCT[G>A]CCGGTGCGCCATGTGCTCTCGGCCCTCGCTGGGCGAGCGGGACCAGCGCTGGTCCCGAGC-3'

ClinVar aggregate classification (germline): Uncertain significance. Review status: criteria provided, multiple submitters, no conflicts (2 of 4 stars). 3 submissions from 3 submitters: Uncertain significance (3). Last evaluated 2025-10-28.

Conditions:
Episodic ataxia type 2 (EA2). Also called: ATAXIA, EPISODIC, WITH NYSTAGMUS; ATAXIA, FAMILIAL PAROXYSMAL; CEREBELLAR ATAXIA, PAROXYSMAL, ACETAZOLAMIDE-RESPONSIVE; CEREBELLOPATHY, HEREDITARY PAROXYSMAL; EPISODIC ATAXIA, NYSTAGMUS-ASSOCIATED; ACETAZOLAMIDE-RESPONSIVE HEREDITARY PAROXYSMAL CEREBELLAR ATAXIA. Identifiers: Orphanet 97, MedGen C1720416, MONDO:0007163, OMIM 108500.
Developmental and epileptic encephalopathy, 42 (DEE42A). Also called: Epileptic encephalopathy, early infantile, 42; DEVELOPMENTAL AND EPILEPTIC ENCEPHALOPATHY 42A; EPILEPTIC ENCEPHALOPATHY, EARLY INFANTILE, 42A. Identifiers: MedGen C4310716, MONDO:0014917, OMIM 617106.

Submissions (3):

Labcorp Genetics (formerly Invitae), Labcorp
Classification: Uncertain significance for Developmental and epileptic encephalopathy, 42; Episodic ataxia type 2. Last evaluated: 2025-10-28. Review status: criteria provided, single submitter. Criteria: Invitae Variant Classification Sherloc (09022015). Collection method: clinical testing. Allele origin: germline.
Comment: This sequence change creates a premature translational stop signal (p.Gln2261*) in the CACNA1A gene. While this is not anticipated to result in nonsense mediated decay, it is expected to disrupt the last 1 amino acid(s) of the CACNA1A protein. This variant is not present in population databases (gnomAD no frequency). This premature translational stop signal has been observed in individual(s) with CACNA1A-related conditions (internal data). ClinVar contains an entry for this variant (Variation ID: 3027248). Algorithms developed to predict the effect of sequence changes on RNA splicing suggest that this variant may disrupt the consensus splice site. In summary, the available evidence is currently insufficient to determine the role of this variant in disease. Therefore, it has been classified as a Variant of Uncertain Significance.

CeGaT Center for Human Genetics Tuebingen
Classification: Uncertain significance. Last evaluated: 2024-02-01. Review status: criteria provided, single submitter. Criteria: CeGaT Center For Human Genetics Tuebingen Variant Classification Criteria Version 2. Collection method: clinical testing. Allele origin: germline. Affected: yes. Observed: 1 variant allele.
Comment: CACNA1A: PM2, PVS1:Moderate

GeneDx
Classification: Uncertain significance. Last evaluated: 2023-12-03. Review status: criteria provided, single submitter. Criteria: GeneDx Variant Classification Process June 2021. Collection method: clinical testing. Allele origin: germline. Affected: yes.
Comment: Not observed at significant frequency in large population cohorts (gnomAD); Nonsense variant predicted to result in protein truncation in a gene for which loss of function is a known mechanism of disease; Has not been previously published as pathogenic or benign to our knowledge